The following is an entry in ClinVar:

ClinVar aggregate classification (germline): Uncertain significance. Review status: criteria provided, multiple submitters, no conflicts (2 of 4 stars). 2 submissions from 2 submitters: Uncertain significance (2). Last evaluated 2024-11-15.

gnomAD v4.1: 20 of 1,609,388 alleles (0.0012%); highest among the groups gnomAD compares: Non-Finnish European, 0.0015%; no homozygotes.

Submissions (2):

Ambry Genetics
Classification: Uncertain significance. Last evaluated: 2024-11-15. Review status: criteria provided, single submitter. Criteria: Ambry Variant Classification Scheme 2023. Collection method: clinical testing. Allele origin: germline.

Labcorp Genetics (formerly Invitae), Labcorp
Classification: Uncertain significance. Last evaluated: 2024-02-24. Review status: criteria provided, single submitter. Criteria: Invitae Variant Classification Sherloc (09022015). Collection method: clinical testing. Allele origin: germline.
Comment: This sequence change replaces proline, which is neutral and non-polar, with arginine, which is basic and polar, at codon 28 of the MAPKAPK3 protein (p.Pro28Arg). This variant is present in population databases (rs759957245, gnomAD 0.004%). This variant has not been reported in the literature in individuals affected with MAPKAPK3-related conditions. ClinVar contains an entry for this variant (Variation ID: 1500831). An algorithm developed to predict the effect of missense changes on protein structure and function (PolyPhen-2) suggests that this variant is likely to be tolerated. In summary, the available evidence is currently insufficient to determine the role of this variant in disease. Therefore, it has been classified as a Variant of Uncertain Significance.

NM_001243925.2(MAPKAPK3):c.83C>G (p.Pro28Arg)

Gene: MAPKAPK3 (MAPK activated protein kinase 3; plus strand). Cytogenetic location: 3p21.2.
Variant type: single nucleotide variant.
Coding change: c.83C>G on transcript NM_001243925.2 (MANE Select); coding-DNA position 83, C replaced by G.
Protein change: p.Pro28Arg; replaces proline 28 with arginine.
Molecular consequence: missense variant.
Genome position (GRCh38, 1-based): chr3:50,617,648, C>G. VCF-style: chr3-50617648-C-G. GRCh37 (hg19) VCF-style: chr3-50655079-C-G.
Other names: c.83C>G (NM_004635.4); c.83C>G, p.Pro28Arg (NM_001243926.2, NM_004635.5); short protein forms P28R.
Identifiers: ClinVar variation 1500831 (VCV001500831.9), dbSNP rs759957245, ClinGen allele CA2420153.